The following is an entry in ClinVar:

NM_005188.4(CBL):c.1151G>A (p.Cys384Tyr)

Gene: CBL (Cbl proto-oncogene; plus strand). Cytogenetic location: 11q23.3.
Variant type: single nucleotide variant.
Coding change: c.1151G>A on transcript NM_005188.4 (MANE Select); coding-DNA position 1151, G replaced by A.
Protein change: p.Cys384Tyr; replaces cysteine 384 with tyrosine.
Molecular consequence: missense variant.
Genome position (GRCh38, 1-based): chr11:119,278,221, G>A. VCF-style: chr11-119278221-G-A. GRCh37 (hg19) VCF-style: chr11-119148931-G-A.
Other names: short protein forms C384Y.
Identifiers: ClinVar variation 2063794 (VCV002063794.4), dbSNP rs985412813, ClinGen allele CA229661870.

ClinVar aggregate classification (germline): Uncertain significance (1 of 4 stars; one submission).

Conditions:
RASopathy. Also called: rasopathies; Noonan spectrum disorder. Identifiers: Orphanet 536391, MedGen C5555857, MONDO:0021060.

Allele frequency attached by ClinVar (database versions not stated): gnomAD exomes below 0.00001; gnomAD 0.00001.
gnomAD v4.1: 4 of 1,611,544 alleles (0.00025%); highest among the groups gnomAD compares: Non-Finnish European, 0.00017%; no homozygotes.

Submission:

Labcorp Genetics (formerly Invitae), Labcorp
Classification: Uncertain significance for RASopathy. Last evaluated: 2026-01-02. Review status: criteria provided, single submitter. Criteria: Invitae Variant Classification Sherloc (09022015). Collection method: clinical testing. Allele origin: germline.
Comment: This sequence change replaces cysteine, which is neutral and slightly polar, with tyrosine, which is neutral and polar, at codon 384 of the CBL protein (p.Cys384Tyr). The frequency data for this variant in the population databases is considered unreliable, as metrics indicate poor data quality at this position in the gnomAD database. This variant has not been reported in the literature in individuals affected with CBL-related conditions. ClinVar contains an entry for this variant (Variation ID: 2063794). Invitae Evidence Modeling of protein sequence and biophysical properties (such as structural, functional, and spatial information, amino acid conservation, physicochemical variation, residue mobility, and thermodynamic stability) indicates that this missense variant is expected to disrupt CBL protein function with a positive predictive value of 95%. In summary, the available evidence is currently insufficient to determine the role of this variant in disease. Therefore, it has been classified as a Variant of Uncertain Significance.